The following is an entry in ClinVar:

ClinVar aggregate classification (germline): Uncertain significance (1 of 4 stars; one submission).

Allele frequency attached by ClinVar (database versions not stated): TOPMed below 0.00001; ExAC 0.00002; gnomAD 0.00003 and 0.00004.
gnomAD v4.1: 23 of 1,613,920 alleles (0.0014%); highest among the groups gnomAD compares: Non-Finnish European, 0.0019%; no homozygotes.

Submission:

Labcorp Genetics (formerly Invitae), Labcorp
Classification: Uncertain significance. Last evaluated: 2025-10-01. Review status: criteria provided, single submitter. Criteria: Invitae Variant Classification Sherloc (09022015). Collection method: clinical testing. Allele origin: germline.
Comment: This sequence change replaces leucine, which is neutral and non-polar, with phenylalanine, which is neutral and non-polar, at codon 246 of the RPS6KC1 protein (p.Leu246Phe). This variant is present in population databases (rs746298886, gnomAD 0.006%). This variant has not been reported in the literature in individuals affected with RPS6KC1-related conditions. ClinVar contains an entry for this variant (Variation ID: 1403430). An algorithm developed to predict the effect of missense changes on protein structure and function outputs the following: PolyPhen-2: "Benign". The phenylalanine amino acid residue is found in multiple mammalian species, which suggests that this missense change does not adversely affect protein function. In summary, the available evidence is currently insufficient to determine the role of this variant in disease. Therefore, it has been classified as a Variant of Uncertain Significance.

NM_012424.6(RPS6KC1):c.738A>C (p.Leu246Phe)

Gene: RPS6KC1 (ribosomal protein S6 kinase C1; plus strand). Cytogenetic location: 1q32.3.
Variant type: single nucleotide variant.
Coding change: c.738A>C on transcript NM_012424.6 (MANE Select); coding-DNA position 738, A replaced by C.
Protein change: p.Leu246Phe; replaces leucine 246 with phenylalanine.
Molecular consequence: missense variant. On other transcripts: 5 prime UTR variant (13), non-coding transcript variant (3), intron variant (5).
Genome position (GRCh38, 1-based): chr1:213,129,792, A>C. VCF-style: chr1-213129792-A-C. GRCh37 (hg19) VCF-style: chr1-213303135-A-C.
Other names: c.702A>C, p.Leu234Phe (NM_001136138.4); c.195A>C, p.Leu65Phe (NM_001287218.3, NM_001287219.3, NM_001287221.3 and 7 more transcripts); c.-477A>C (NM_001287220.3, NM_001349666.2, NM_001349667.2 and 4 more transcripts); c.738A>C, p.Leu246Phe (NM_001349646.2); c.-550A>C (NM_001349659.2); c.-470A>C (NM_001349660.2, NM_001349661.2, NM_001349662.2); c.-384A>C (NM_001349664.2, NM_001349670.2); c.-57+12382A>C (NM_001349658.2); and 4 more; short protein forms L246F, L234F, L65F.
Identifiers: ClinVar variation 1403430 (VCV001403430.6), dbSNP rs746298886, ClinGen allele CA1387249.